The following is an entry in ClinVar:

ClinVar aggregate classification (germline): Pathogenic (1 of 4 stars; one submission).

Conditions:
Duchenne muscular dystrophy (DMD). Also called: MUSCULAR DYSTROPHY, PSEUDOHYPERTROPHIC PROGRESSIVE, DUCHENNE TYPE; Duchenne Muscular Dystrophy (DMD). Identifiers: Orphanet 98896, MedGen C0013264, MONDO:0010679, OMIM 310200.

Submission:

Labcorp Genetics (formerly Invitae), Labcorp
Classification: Pathogenic for Duchenne muscular dystrophy. Last evaluated: 2023-05-28. Review status: criteria provided, single submitter. Criteria: Invitae Variant Classification Sherloc (09022015). Collection method: clinical testing. Allele origin: germline.
Comment: For these reasons, this variant has been classified as Pathogenic. This variant has not been reported in the literature in individuals affected with DMD-related conditions. This variant is not present in population databases (gnomAD no frequency). This sequence change creates a premature translational stop signal (p.Ile1661Metfs*11) in the DMD gene. It is expected to result in an absent or disrupted protein product. Loss-of-function variants in DMD are known to be pathogenic (PMID: 16770791, 25007885).

Literature cited by the submitters: PubMed 16770791; PubMed 25007885.

NM_004006.3(DMD):c.4983del (p.Ile1661fs)

Gene: DMD (dystrophin; minus strand). Cytogenetic location: Xp21.1.
Variant type: Deletion.
Coding change: c.4983del on transcript NM_004006.3 (MANE Select); coding-DNA position 4983, one base deleted (A; older notation c.4983delA).
Protein change: p.Ile1661fs; shifts the reading frame from isoleucine 1661.
Molecular consequence: frameshift variant.
Genome position (GRCh38, 1-based): chrX:32,365,062, T deleted on the plus strand (A on the coding strand, the reverse complement: DMD is on the minus strand). VCF-style (leftmost placement, unchanged base first): chrX-32365061-CT-C. GRCh37 (hg19) VCF-style: chrX-32383178-CT-C.
Other names: c.4959del, p.Ile1653fs (NM_000109.4); c.4971del, p.Ile1657fs (NM_004009.3); c.4614del, p.Ile1538fs (NM_004010.3); c.960del, p.Ile320fs (NM_004011.4); c.951del, p.Ile317fs (NM_004012.4); short protein forms I1538fs, I1653fs, I317fs, I1657fs, I1661fs, I320fs.
Identifiers: ClinVar variation 2745462 (VCV002745462.3), dbSNP rs2522567971, ClinGen allele CA2697552973.
Genomic context (GRCh38, chrX:32,365,061, plus strand): 5'-TTCTAGCCTTTTCTCTTACCAACAAAAGATTTAACCACTCTTCTGCTCGGGAGGTGACAG[CT>C]ATCCAGTTACTATTCAGAAGACTGAGTTTATCTTCCACCAACGTCTCCTTCTTGCCCAAA-3'